The following is an entry in ClinVar:

ClinVar aggregate classification (germline): Uncertain significance. Review status: criteria provided, multiple submitters, no conflicts (2 of 4 stars). 2 submissions from 2 submitters: Uncertain significance (2). Last evaluated 2024-08-12.

Submissions (2):

Revvity Omics, Revvity
Classification: Uncertain significance. Last evaluated: 2024-08-12. Review status: criteria provided, single submitter. Criteria: ACMG Guidelines, 2015. Collection method: clinical testing. Allele origin: germline.

GeneDx
Classification: Uncertain significance. Last evaluated: 2022-01-21. Review status: criteria provided, single submitter. Criteria: GeneDx Variant Classification Process June 2021. Collection method: clinical testing. Allele origin: germline. Affected: yes.
Comment: Not observed at significant frequency in large population cohorts (gnomAD); In silico analysis supports that this missense variant has a deleterious effect on protein structure/function; Has not been previously published as pathogenic or benign to our knowledge

NM_005458.8(GABBR2):c.1987T>C (p.Tyr663His)

Gene: GABBR2 (gamma-aminobutyric acid type B receptor subunit 2; minus strand). Cytogenetic location: 9q22.33.
Variant type: single nucleotide variant.
Coding change: c.1987T>C on transcript NM_005458.8 (MANE Select); coding-DNA position 1987, T replaced by C.
Protein change: p.Tyr663His; replaces tyrosine 663 with histidine.
Molecular consequence: missense variant.
Genome position (GRCh38, 1-based): chr9:98,311,112, A>G on the plus strand (T>C on the coding strand, the complement: GABBR2 is on the minus strand). VCF-style: chr9-98311112-A-G. GRCh37 (hg19) VCF-style: chr9-101073394-A-G.
Other names: short protein forms Y663H.
Identifiers: ClinVar variation 1698113 (VCV001698113.3), dbSNP rs2131361957, ClinGen allele CA374203214.